The following is an entry in ClinVar:

NM_022168.4(IFIH1):c.2115A>C (p.Arg705Ser)

Gene: IFIH1 (interferon induced with helicase C domain 1; minus strand). Cytogenetic location: 2q24.2.
Variant type: single nucleotide variant.
Coding change: c.2115A>C on transcript NM_022168.4 (MANE Select); coding-DNA position 2115, A replaced by C.
Protein change: p.Arg705Ser; replaces arginine 705 with serine.
Molecular consequence: missense variant.
Genome position (GRCh38, 1-based): chr2:162,276,876, T>G on the plus strand (A>C on the coding strand, the complement: IFIH1 is on the minus strand). VCF-style: chr2-162276876-T-G. GRCh37 (hg19) VCF-style: chr2-163133386-T-G.
Other names: short protein forms R705S.
Identifiers: ClinVar variation 707420 (VCV000707420.13), dbSNP rs185928139, ClinGen allele CA1934288.

ClinVar aggregate classification (germline): Benign. Review status: criteria provided, single submitter (1 of 4 stars). 2 submissions from 2 submitters: Benign (1). 1 of the submissions does not count toward it. Last evaluated 2025-10-20.

Conditions:
Aicardi-Goutieres syndrome 7 (AGS7). Identifiers: Orphanet 51, MedGen C3888244, MONDO:0014367, OMIM 615846.
Singleton-Merten syndrome 1 (SGMRT1). Also called: Widened medullary cavities of bone, aortic calcification, abnormal dentition, and muscular weakness; Syndrome of widened medullary cavities of the metacarpals and phalanges, aortic calcification and abnormal dentition. Identifiers: Orphanet 85191, MedGen C4225427, MONDO:0024535, OMIM 182250.
IFIH1-related disorder. Also called: IFIH1-related condition.

Allele frequency attached by ClinVar (database versions not stated): 1000 Genomes Project 0.00100; gnomAD 0.00006 and 0.00012; gnomAD exomes 0.00013 and 0.00030; 1000 Genomes Project 30x 0.00094; TOPMed 0.00015; ExAC 0.00033.
gnomAD v4.1: 211 of 1,613,392 alleles (0.013%); highest among the groups gnomAD compares: East Asian, 0.46%; no homozygotes.

Submissions (2):

Labcorp Genetics (formerly Invitae), Labcorp
Classification: Benign for Aicardi-Goutieres syndrome 7; Singleton-Merten syndrome 1. Last evaluated: 2025-10-20. Review status: criteria provided, single submitter. Criteria: Invitae Variant Classification Sherloc (09022015). Collection method: clinical testing. Allele origin: germline.

PreventionGenetics, part of Exact Sciences
Classification: Benign for IFIH1-related condition. Last evaluated: 2019-05-30. Review status: no assertion criteria provided. Collection method: clinical testing. Allele origin: germline. Not counted in ClinVar's aggregate classification.
Comment: This variant is classified as benign based on ACMG/AMP sequence variant interpretation guidelines (Richards et al. 2015 PMID: 25741868, with internal and published modifications).